The following is an entry in ClinVar:

NM_174936.4(PCSK9):c.1280C>G (p.Ala427Gly)

Gene: PCSK9 (proprotein convertase subtilisin/kexin type 9; plus strand). Cytogenetic location: 1p32.3.
Variant type: single nucleotide variant.
Coding change: c.1280C>G on transcript NM_174936.4 (MANE Select); coding-DNA position 1280, C replaced by G.
Protein change: p.Ala427Gly; replaces alanine 427 with glycine.
Molecular consequence: missense variant. On other transcripts: non-coding transcript variant (8), intron variant (2).
Genome position (GRCh38, 1-based): chr1:55,058,135, C>G. VCF-style: chr1-55058135-C-G. GRCh37 (hg19) VCF-style: chr1-55523808-C-G.
Other names: c.1403C>G, p.Ala468Gly (NM_001407240.1); c.1280C>G, p.Ala427Gly (NM_001407241.1); c.1283C>G, p.Ala428Gly (NM_001407242.1); c.1223C>G, p.Ala408Gly (NM_001407243.1); c.1088C>G, p.Ala363Gly (NM_001407245.1); c.905C>G, p.Ala302Gly (NM_001407246.1); c.1181-364C>G (NM_001407244.1); c.1180+621C>G (NM_001407247.1); short protein forms A427G, A363G, A408G, A302G, A428G, A468G.
Identifiers: ClinVar variation 2774056 (VCV002774056.2), dbSNP rs2100323578, ClinGen allele CA340477342.

ClinVar aggregate classification (germline): Uncertain significance (1 of 4 stars; one submission).

Conditions:
Familial hypercholesterolemia. Also called: Familial hypercholesterolaemia. Identifiers: MedGen C0020445, MONDO:0005439.

Submission:

Color Diagnostics, LLC DBA Color Health
Classification: Uncertain significance for Familial hypercholesterolemia. Last evaluated: 2024-03-07. Review status: criteria provided, single submitter. Criteria: ACMG Guidelines, 2015. Collection method: clinical testing. Allele origin: germline.
Comment: This missense variant replaces alanine with glycine at codon 427 of the PCSK9 protein. Computational prediction suggests that this variant may not impact protein structure and function (internally defined REVEL score threshold <= 0.5, PMID: 27666373). To our knowledge, functional studies have not been reported for this variant. This variant has not been reported in individuals affected with PCSK9-related disorders in the literature. This variant has not been identified in the general population by the Genome Aggregation Database (gnomAD). The available evidence is insufficient to determine the role of this variant in disease conclusively. Therefore, this variant is classified as a Variant of Uncertain Significance.